The following is an entry in ClinVar:

NM_000344.4(SMN1):c.291del (p.Lys97fs)

Gene: SMN1 (survival of motor neuron 1, telomeric). Cytogenetic location: 5q13.2.
Variant type: Deletion.
Coding change: c.291del on transcript NM_000344.4 (MANE Select); coding-DNA position 291, one base deleted.
Protein change: p.Lys97fs; shifts the reading frame from lysine 97.
Molecular consequence: frameshift variant.
Genome position: GRCh38 VCF-style: chr5-70942372-CA-C. GRCh37 (hg19) VCF-style: chr5-70238199-CA-C.
Other names: c.291del, p.Lys97fs (NM_001297715.1, NM_022874.2); short protein forms K97fs.
Identifiers: ClinVar variation 1699436 (VCV001699436.3), dbSNP rs2112806309, ClinGen allele CA2573050771.
Genomic context (GRCh38, chr5:70,942,372, plus strand): 5'-TTCAAAAGAAATGTGTGCATGTATATATCTTTGATTTCTTTTGTAGTGGAAAGTTGGGGA[CA>C]AATGTTCTGCCATTTGGTCAGAAGACGGTTGCATTTACCCAGCTACCATTGCTTCAATTG-3'

ClinVar aggregate classification (germline): Pathogenic (1 of 4 stars; one submission).

Conditions:
Spinal muscular atrophy (SMA). Identifiers: MedGen C0026847, MeSH D009134, MONDO:0001516, HP:0007269.

Submission:

Victorian Clinical Genetics Services, Murdoch Childrens Research Institute
Classification: Pathogenic for Spinal muscular atrophy. Last evaluated: 2022-02-02. Review status: criteria provided, single submitter. Criteria: ACMG Guidelines, 2015. Collection method: clinical testing. Allele origin: germline. Inheritance: Autosomal recessive inheritance.
Comment: Based on the classification scheme VCGS_Germline_v1.3.4, this variant is classified as Pathogenic. Following criteria are met: 0102 - Loss of function is a known mechanism of disease in this gene and is associated with spinal muscular atrophy-1 (MIM#253300), spinal muscular atrophy-2 (MIM#253550), spinal muscular atrophy-3 (MIM#253400) and spinal muscular atrophy-4 (MIM#271150). (I) 0106 - This gene is associated with autosomal recessive disease. (I) 0201 - Variant is predicted to cause nonsense-mediated decay (NMD) and loss of protein (premature termination codon is located at least 54 nucleotides upstream of the final exon-exon junction). (SP) 0251 - This variant is heterozygous. (I) 0301 - Variant is absent from gnomAD (both v2 and v3). However, both exome and genome coverage of this gene is poor. (I) 0701 - Other NMD-predicted variants comparable to the one identified in this case have very strong previous evidence for pathogenicity. These variants have been reported many times as pathogenic, and observed in individuals with spinal muscular atrophy (DECIPHER, PMID: 33892995). (SP) 0807 - This variant has no previous evidence of pathogenicity. (I) 0905 - No published segregation evidence has been identified for this variant. (I) 1007 - No published functional evidence has been identified for this variant. (I) 1208 - Inheritance information for this variant is not currently available in this individual. (I) Legend: (SP) - Supporting pathogenic, (I) - Information, (SB) - Supporting benign

Literature cited by the submitters: PubMed 33892995.